The following is an entry in ClinVar:

ClinVar aggregate classification (germline): Uncertain significance (1 of 4 stars; one submission).

Conditions:
POLD1-related polyposis and colorectal cancer syndrome (CRCS10). Also called: Colorectal cancer 10; COLORECTAL CANCER, SUSCEPTIBILITY TO, ON CHROMOSOME 19q; Colorectal cancer, susceptibility to, 10. Identifiers: Orphanet 220460, MedGen C2675481, MONDO:0012953, OMIM 612591.

Allele frequency attached by ClinVar (database versions not stated): gnomAD exomes below 0.00001.
gnomAD v4.1: 1 of 1,613,628 alleles (0.000062%); highest among the groups gnomAD compares: South Asian, 0.0011%; no homozygotes.

Submission:

Labcorp Genetics (formerly Invitae), Labcorp
Classification: Uncertain significance for POLD1-related polyposis and colorectal cancer syndrome. Last evaluated: 2017-10-27. Review status: criteria provided, single submitter. Criteria: Invitae Variant Classification Sherloc (09022015). Collection method: clinical testing. Allele origin: germline.
Comment: This variant is not present in population databases (ExAC no frequency). In summary, the available evidence is currently insufficient to determine the role of this variant in disease. Therefore, it has been classified as a Variant of Uncertain Significance. Algorithms developed to predict the effect of missense changes on protein structure and function do not agree on the potential impact of this missense change (SIFT: "Deleterious"; PolyPhen-2: "Possibly Damaging"; Align-GVGD: "Class C0"). This variant has not been reported in the literature in individuals with POLD1-related disease. This sequence change replaces aspartic acid with asparagine at codon 515 of the POLD1 protein (p.Asp515Asn). The aspartic acid residue is highly conserved and there is a small physicochemical difference between aspartic acid and asparagine.

NM_002691.4(POLD1):c.1543G>A (p.Asp515Asn)

Gene: POLD1 (DNA polymerase delta 1, catalytic subunit; plus strand). Cytogenetic location: 19q13.33.
Variant type: single nucleotide variant.
Coding change: c.1543G>A on transcript NM_002691.4 (MANE Select); coding-DNA position 1543, G replaced by A.
Protein change: p.Asp515Asn; replaces aspartic acid 515 with asparagine.
Molecular consequence: missense variant. On other transcripts: non-coding transcript variant (1).
Genome position (GRCh38, 1-based): chr19:50,407,031, G>A. VCF-style: chr19-50407031-G-A. GRCh37 (hg19) VCF-style: chr19-50910288-G-A.
Other names: c.1543G>A, p.Asp515Asn (NM_001256849.1, NM_001308632.1); short protein forms D515N.
Identifiers: ClinVar variation 537128 (VCV000537128.8), dbSNP rs1169141963, ClinGen allele CA406980841.